The following is an entry in ClinVar:

ClinVar aggregate classification (germline): Pathogenic. Review status: criteria provided, multiple submitters, no conflicts (2 of 4 stars). 2 submissions from 2 submitters: Pathogenic (2). Last evaluated 2024-09-30.

Conditions:
Rubinstein-Taybi syndrome due to CREBBP mutations (RSTS1). Also called: BROAD THUMBS AND GREAT TOES, CHARACTERISTIC FACIES, AND IMPAIRED INTELLECTUAL DEVELOPMENT; RUBINSTEIN-TAYBI SYNDROME 1, INCOMPLETE; Rubinstein-Taybi syndrome 1; BROAD THUMB-HALLUX SYNDROME; RUBINSTEIN SYNDROME; CREBBP-Related Rubinstein-Taybi Syndrome. Identifiers: Orphanet 353277, Orphanet 783, MedGen C4551859, MONDO:0008393, OMIM 180849.
Rubinstein-Taybi syndrome (RSTS). Identifiers: Orphanet 783, MedGen C0035934, MONDO:0019188.

Submissions (2):

Women's Health and Genetics/Laboratory Corporation of America, LabCorp
Classification: Pathogenic for Rubinstein-Taybi syndrome due to CREBBP mutations. Last evaluated: 2024-09-30. Review status: criteria provided, single submitter. Criteria: LabCorp Variant Classification Summary - May 2015. Collection method: clinical testing. Allele origin: germline.
Comment: Variant summary: CREBBP c.3099_3102delAGAA (p.Glu1034LysfsX4) results in a premature termination codon, predicted to cause a truncation of the encoded protein or absence of the protein due to nonsense mediated decay, which are commonly known mechanisms for disease. The variant was absent in 251456 control chromosomes. To our knowledge, no occurrence of c.3099_3102delAGAA in individuals affected with Rubinstein-Taybi Syndrome and no experimental evidence demonstrating its impact on protein function have been reported. ClinVar contains an entry for this variant (Variation ID: 2742757). Based on the evidence outlined above, the variant was classified as pathogenic.

Labcorp Genetics (formerly Invitae), Labcorp
Classification: Pathogenic for Rubinstein-Taybi syndrome. Last evaluated: 2023-07-31. Review status: criteria provided, single submitter. Criteria: Invitae Variant Classification Sherloc (09022015). Collection method: clinical testing. Allele origin: germline.
Comment: This sequence change creates a premature translational stop signal (p.Glu1034Lysfs*4) in the CREBBP gene. It is expected to result in an absent or disrupted protein product. Loss-of-function variants in CREBBP are known to be pathogenic (PMID: 17052327, 18792986). This variant is not present in population databases (gnomAD no frequency). This variant has not been reported in the literature in individuals affected with CREBBP-related conditions. For these reasons, this variant has been classified as Pathogenic.

Literature cited by the submitters: PubMed 17052327 (cited by Labcorp Genetics (formerly Invitae), Labcorp); PubMed 18792986 (cited by Labcorp Genetics (formerly Invitae), Labcorp).

NM_004380.3(CREBBP):c.3099_3102del (p.Glu1034fs)

Gene: CREBBP (CREB binding lysine acetyltransferase; minus strand). Cytogenetic location: 16p13.3.
Variant type: Deletion.
Coding change: c.3099_3102del on transcript NM_004380.3 (MANE Select); coding-DNA positions 3099 to 3102, 4 bases deleted (AGAA; older notation c.3099_3102delAGAA).
Protein change: p.Glu1034fs; shifts the reading frame from glutamic acid 1034.
Molecular consequence: frameshift variant.
Genome position (GRCh38, 1-based): chr16:3,767,868-3,767,871, TTCT deleted on the plus strand (AGAA on the coding strand, the reverse complement: CREBBP is on the minus strand); deleting any 4 consecutive bases within chr16:3,767,868-3,767,873 gives the same sequence; the c. name uses the placement nearest the transcript's 3' end. VCF-style (leftmost placement, unchanged base first): chr16-3767867-CTTCT-C. GRCh37 (hg19) VCF-style: chr16-3817868-CTTCT-C.
Other names: c.2985_2988del, p.Glu996fs (NM_001079846.1); c.3099_3102delAGAA (NM_004380.3); short protein forms E1034fs, E996fs.
Identifiers: ClinVar variation 2742757 (VCV002742757.4), dbSNP rs2548407772, ClinGen allele CA2697549653.